The following is an entry in ClinVar:

NM_000481.4(AMT):c.638T>G (p.Phe213Cys)

Gene: AMT (aminomethyltransferase; minus strand). Cytogenetic location: 3p21.31.
Variant type: single nucleotide variant.
Coding change: c.638T>G on transcript NM_000481.4 (MANE Select); coding-DNA position 638, T replaced by G.
Protein change: p.Phe213Cys; replaces phenylalanine 213 with cysteine.
Molecular consequence: missense variant. On other transcripts: non-coding transcript variant (1).
Genome position (GRCh38, 1-based): chr3:49,419,318, A>C on the plus strand (T>G on the coding strand, the complement: AMT is on the minus strand). VCF-style: chr3-49419318-A-C. GRCh37 (hg19) VCF-style: chr3-49456751-A-C.
Other names: c.506T>G, p.Phe169Cys (NM_001164710.2); c.470T>G, p.Phe157Cys (NM_001164711.2); c.638T>G, p.Phe213Cys (NM_001164712.2); short protein forms F157C, F169C, F213C.
Identifiers: ClinVar variation 994498 (VCV000994498.5), dbSNP rs963795935, ClinGen allele CA74514053.

ClinVar aggregate classification (germline): Uncertain significance. Review status: criteria provided, multiple submitters, no conflicts (2 of 4 stars). 3 submissions from 3 submitters: Uncertain significance (3). Last evaluated 2023-12-15.

Conditions:
Inborn genetic diseases. Identifiers: MedGen C0950123, MeSH D030342.
Glycine encephalopathy. Also called: Non-ketotic hyperglycinemia; Nonketotic hyperglycinemia. Identifiers: Orphanet 407, MedGen C0751748, MONDO:0011612, HP:0008288.

Allele frequency attached by ClinVar (database versions not stated): gnomAD 0.00001; gnomAD exomes 0.00001; TOPMed 0.00002.
gnomAD v4.1: 9 of 1,614,036 alleles (0.00056%); highest among the groups gnomAD compares: Admixed American, 0.0067%; no homozygotes.

Submissions (3):

Ambry Genetics
Classification: Uncertain significance for Inborn genetic diseases. Last evaluated: 2023-12-15. Review status: criteria provided, single submitter. Criteria: Ambry Variant Classification Scheme 2023. Collection method: clinical testing. Allele origin: germline.

Labcorp Genetics (formerly Invitae), Labcorp
Classification: Uncertain significance for Glycine encephalopathy. Last evaluated: 2022-08-15. Review status: criteria provided, single submitter. Criteria: Invitae Variant Classification Sherloc (09022015). Collection method: clinical testing. Allele origin: germline.
Comment: This sequence change replaces phenylalanine, which is neutral and non-polar, with cysteine, which is neutral and slightly polar, at codon 213 of the AMT protein (p.Phe213Cys). This variant is present in population databases (no rsID available, gnomAD 0.006%). This variant has not been reported in the literature in individuals affected with AMT-related conditions. ClinVar contains an entry for this variant (Variation ID: 994498). Advanced modeling of protein sequence and biophysical properties (such as structural, functional, and spatial information, amino acid conservation, physicochemical variation, residue mobility, and thermodynamic stability) performed at Invitae indicates that this missense variant is not expected to disrupt AMT protein function. Algorithms developed to predict the effect of sequence changes on RNA splicing suggest that this variant may create or strengthen a splice site. In summary, the available evidence is currently insufficient to determine the role of this variant in disease. Therefore, it has been classified as a Variant of Uncertain Significance.

Athena Diagnostics
Classification: Uncertain significance. Last evaluated: 2019-11-13. Review status: criteria provided, single submitter. Criteria: Athena Diagnostics Criteria. Collection method: clinical testing. Allele origin: unknown.